The following is an entry in ClinVar:

ClinVar aggregate classification (germline): Likely benign (1 of 4 stars; one submission).

Conditions:
Cone dystrophy with supernormal rod response (CDSRR). Also called: CONE DYSTROPHY WITH SUPERNORMAL ROD RESPONSES. Identifiers: Orphanet 209932, MedGen C1835897, MONDO:0012475, OMIM 610356.

Allele frequency attached by ClinVar (database versions not stated): 1000 Genomes Project 0.00060; 1000 Genomes Project 30x 0.00078; gnomAD 0.00106 and 0.00158; gnomAD exomes 0.00151; TOPMed 0.00158.
gnomAD v4.1: 2,119 of 1,415,254 alleles (0.15%); highest among the groups gnomAD compares: Non-Finnish European, 0.19%; 4 homozygotes.

Submission:

Illumina Laboratory Services, Illumina
Classification: Likely benign for Cone dystrophy with supernormal rod response. Last evaluated: 2018-01-13. Review status: criteria provided, single submitter. Criteria: ICSL Variant Classification Criteria 13 December 2019. Collection method: clinical testing. Allele origin: germline.
Comment: This variant was observed in the ICSL laboratory as part of a predisposition screen in an ostensibly healthy population. It had not been previously curated by ICSL or reported in the Human Gene Mutation Database (HGMD: prior to June 1st, 2018), and was therefore a candidate for classification through an automated scoring system. Utilizing variant allele frequency, disease prevalence and penetrance estimates, and inheritance mode, an automated score was calculated to assess if this variant is too frequent to cause the disease. Based on the score and internal cut-off values, a variant classified as likely benign is not then subjected to further curation. The score for this variant resulted in a classification of likely benign for this disease.

NM_133497.4(KCNV2):c.-111C>T

Gene: KCNV2 (potassium voltage-gated channel modifier subfamily V member 2; plus strand). Cytogenetic location: 9p24.2.
Variant type: single nucleotide variant.
Coding change: c.-111C>T on transcript NM_133497.4 (MANE Select); 111 bases upstream of the start codon, C replaced by T.
Molecular consequence: 5 prime UTR variant.
Genome position (GRCh38, 1-based): chr9:2,717,629, C>T. VCF-style: chr9-2717629-C-T. GRCh37 (hg19) VCF-style: chr9-2717629-C-T.
Identifiers: ClinVar variation 366401 (VCV000366401.5), dbSNP rs188986938, ClinGen allele CA10627144.
Genomic context (GRCh38, chr9:2,717,629, plus strand): 5'-CTGAGAAGGGGCAGCTCCGGTGGCAATGTCTGAGCCCCTAGCTGTGCTGGTCCGGGCTGG[C>T]CTCTCTAAGACAGTGCAGGCCACGTGATCCATCCTCCTAGAGGCAGTGAGCAGGTGAGGG-3'